The following is an entry in ClinVar:

NM_016222.4(DDX41):c.1733-3C>T

Gene: DDX41 (DEAD-box helicase 41; minus strand). Cytogenetic location: 5q35.3.
Variant type: single nucleotide variant.
Coding change: c.1733-3C>T on transcript NM_016222.4 (MANE Select); 3 bases into the intron before coding-DNA position 1733, C replaced by T.
Molecular consequence: intron variant.
Genome position (GRCh38, 1-based): chr5:177,511,930, G>A on the plus strand (C>T on the coding strand, the complement: DDX41 is on the minus strand). VCF-style: chr5-177511930-G-A. GRCh37 (hg19) VCF-style: chr5-176938931-G-A.
Other names: c.1733-3C>T (NM_016222.2); c.1355-3C>T (NM_001321830.2, NM_001321732.2).
Identifiers: ClinVar variation 1980118 (VCV001980118.6), dbSNP rs750355279, ClinGen allele CA3584619.

ClinVar aggregate classification (germline): Conflicting classifications of pathogenicity. Review status: criteria provided, conflicting classifications (1 of 4 stars). 2 submissions from 2 submitters: Uncertain significance (1); Likely benign (1). Last evaluated 2026-01-09.

Conditions:
Inborn genetic diseases. Identifiers: MedGen C0950123, MeSH D030342.

Allele frequency attached by ClinVar (database versions not stated): ExAC 0.00002; gnomAD 0.00004.
gnomAD v4.1: 43 of 1,613,530 alleles (0.0027%); highest among the groups gnomAD compares: Admixed American, 0.025%; no homozygotes.

Submissions (2):

Labcorp Genetics (formerly Invitae), Labcorp
Classification: Uncertain significance. Last evaluated: 2026-01-09. Review status: criteria provided, single submitter. Criteria: Invitae Variant Classification Sherloc (09022015). Collection method: clinical testing. Allele origin: germline.
Comment: This sequence change falls in intron 16 of the DDX41 gene. It does not directly change the encoded amino acid sequence of the DDX41 protein. It affects a nucleotide within the consensus splice site. This variant is present in population databases (rs750355279, gnomAD 0.02%). This variant has not been reported in the literature in individuals affected with DDX41-related conditions. ClinVar contains an entry for this variant (Variation ID: 1980118). Variants that disrupt the consensus splice site are a relatively common cause of aberrant splicing (PMID: 17576681, 9536098). Algorithms developed to predict the effect of sequence changes on RNA splicing suggest that this variant is not likely to affect RNA splicing. In summary, the available evidence is currently insufficient to determine the role of this variant in disease. Therefore, it has been classified as a Variant of Uncertain Significance.

Ambry Genetics
Classification: Likely benign for Inborn genetic diseases. Last evaluated: 2025-12-18. Review status: criteria provided, single submitter. Criteria: Ambry Variant Classification Scheme 2023. Collection method: clinical testing. Allele origin: germline.

Literature cited by the submitters: PubMed 17576681 (cited by Labcorp Genetics (formerly Invitae), Labcorp); PubMed 9536098 (cited by Labcorp Genetics (formerly Invitae), Labcorp).